The following is an entry in ClinVar:

NM_000439.5(PCSK1):c.2173G>A (p.Val725Ile)

Genes: CAST (calpastatin; plus strand), PCSK1 (proprotein convertase subtilisin/kexin type 1; minus strand), LOC101929710 (uncharacterized LOC101929710; plus strand). Cytogenetic location: 5q15.
Variant type: single nucleotide variant.
Coding change: c.2173G>A on transcript NM_000439.5 (MANE Select); coding-DNA position 2173, G replaced by A.
Protein change: p.Val725Ile; replaces valine 725 with isoleucine.
Molecular consequence: missense variant. On other transcripts: intron variant (11).
Genome position (GRCh38, 1-based): chr5:96,393,090, C>T on the plus strand (G>A on the coding strand, the complement: PCSK1 is on the minus strand). VCF-style: chr5-96393090-C-T. GRCh37 (hg19) VCF-style: chr5-95728794-C-T.
Other names: c.2032G>A, p.Val678Ile (NM_001177875.2); c.-175+13438C>T (NM_001423254.1, NM_001423259.1, NM_001423255.1 and 6 more transcripts); c.-103+13438C>T (NM_001423253.1); c.-40+13438C>T (NM_001423258.1); short protein forms V678I, V725I.
Identifiers: ClinVar variation 3353290 (VCV003353290.2).

ClinVar aggregate classification (germline): Uncertain significance. Review status: criteria provided, single submitter (1 of 4 stars). 2 submissions from 2 submitters: Uncertain significance (1). 1 of the submissions does not count toward it. Last evaluated 2025-03-28.

Conditions:
Inborn genetic diseases. Identifiers: MedGen C0950123, MeSH D030342.
PCSK1-related disorder. Also called: PCSK1-related condition.

gnomAD v4.1: 6 of 1,613,990 alleles (0.00037%); highest among the groups gnomAD compares: Admixed American, 0.01%; no homozygotes.

Submissions (2):

Ambry Genetics
Classification: Uncertain significance for Inborn genetic diseases. Last evaluated: 2025-03-28. Review status: criteria provided, single submitter. Criteria: Ambry Variant Classification Scheme 2023. Collection method: clinical testing. Allele origin: germline.

PreventionGenetics, part of Exact Sciences
Classification: Uncertain significance for PCSK1-related condition. Last evaluated: 2024-01-22. Review status: no assertion criteria provided. Collection method: clinical testing. Allele origin: germline. Not counted in ClinVar's aggregate classification.
Comment: The PCSK1 c.2173G>A variant is predicted to result in the amino acid substitution p.Val725Ile. This variant, and other variants impacting the same amino acid (p.Val725Ala, p.Val725Phe, and p.Val725Asp) were observed in a cohort of individuals with obesity, and in vitro functional studies showed this variant, and other variants (p.Val725Gly, p.Val725Phe, p.Val725Asp, and p.Val725Leu) did not reduce protein function and could cause increased function (Supplemental Data Set 3, Shah et al. 2023. PubMed ID: 36864747). Of note, in vitro functional studies for the p.Val725Ala variant showed function similar to wild-type levels (Supplemental Data Set, Shah et al. 2023. PubMed ID: 36864747). This variant is located at the end of the terminal exon of PCSK1. This variant is reported in 0.0087% of alleles in individuals of Latino descent in gnomAD. At this time, the clinical significance of this variant is uncertain due to the absence of conclusive functional and genetic evidence.